The following is an entry in ClinVar:

ClinVar aggregate classification (germline): Uncertain significance (1 of 4 stars; one submission).

Conditions:
Severe combined immunodeficiency due to IKK2 deficiency. Also called: Immunodeficiency 15; IMMUNODEFICIENCY 15B. Identifiers: Orphanet 397787, MedGen C4747743, MONDO:0014267, OMIM 615592.

Submission:

Labcorp Genetics (formerly Invitae), Labcorp
Classification: Uncertain significance for Severe combined immunodeficiency due to IKK2 deficiency. Last evaluated: 2026-01-29. Review status: criteria provided, single submitter. Criteria: Invitae Variant Classification Sherloc (09022015). Collection method: clinical testing. Allele origin: germline.
Comment: This sequence change replaces glutamine, which is neutral and polar, with proline, which is neutral and non-polar, at codon 581 of the IKBKB protein (p.Gln581Pro). This variant is not present in population databases (gnomAD no frequency). This variant has not been reported in the literature in individuals affected with IKBKB-related conditions. Invitae Evidence Modeling of protein sequence and biophysical properties (such as structural, functional, and spatial information, amino acid conservation, physicochemical variation, residue mobility, and thermodynamic stability) indicates that this missense variant is not expected to disrupt IKBKB protein function with a negative predictive value of 95%. In summary, the available evidence is currently insufficient to determine the role of this variant in disease. Therefore, it has been classified as a Variant of Uncertain Significance.

NM_001556.3(IKBKB):c.1742A>C (p.Gln581Pro)

Gene: IKBKB (inhibitor of nuclear factor kappa B kinase subunit beta; plus strand). Cytogenetic location: 8p11.21.
Variant type: single nucleotide variant.
Coding change: c.1742A>C on transcript NM_001556.3 (MANE Select); coding-DNA position 1742, A replaced by C.
Protein change: p.Gln581Pro; replaces glutamine 581 with proline.
Molecular consequence: missense variant. On other transcripts: non-coding transcript variant (3).
Genome position (GRCh38, 1-based): chr8:42,322,057, A>C. VCF-style: chr8-42322057-A-C. GRCh37 (hg19) VCF-style: chr8-42179575-A-C.
Other names: c.1550A>C, p.Gln517Pro (NM_001190720.3); c.1565A>C, p.Gln522Pro (NM_001242778.2); short protein forms Q517P, Q522P, Q581P.
Identifiers: ClinVar variation 4802737 (VCV004802737.1).
Genomic context (GRCh38, chr8:42,322,057, plus strand): 5'-GCATCACTACTCTCTGCTGGCTTCCTTGAGGAACTATGCTACCCTCCCTCTCTCCAGACC[A>C]GCGAACTGAGGGTGACAGTCAGGAAATGGTACGGCTGCTGCTTCAGGCAATTCAGAGCTT-3'
Protein context (NP_001547.1, residues 571-591): YRRLREKPRD[Gln581Pro]RTEGDSQEMV